The following is an entry in ClinVar:

NM_001267550.2(TTN):c.26528C>A (p.Thr8843Lys)

Gene: TTN (titin; minus strand). Cytogenetic location: 2q31.2.
Variant type: single nucleotide variant.
Coding change: c.26528C>A on transcript NM_001267550.2 (MANE Select); coding-DNA position 26528, C replaced by A.
Protein change: p.Thr8843Lys; replaces threonine 8843 with lysine.
Molecular consequence: missense variant. On other transcripts: intron variant (3).
Genome position (GRCh38, 1-based): chr2:178,714,130, G>T on the plus strand (C>A on the coding strand, the complement: TTN is on the minus strand). VCF-style: chr2-178714130-G-T. GRCh37 (hg19) VCF-style: chr2-179578857-G-T.
Other names: c.25577C>A, p.Thr8526Lys (NM_001256850.1); c.22796C>A, p.Thr7599Lys (NM_133378.4); c.13282+23952C>A (NM_003319.4); c.13858+23952C>A (NM_133437.4); c.13657+23952C>A (NM_133432.3); short protein forms T7599K, T8526K, T8843K.
Identifiers: ClinVar variation 4086567 (VCV004086567.1).

ClinVar aggregate classification (germline): Uncertain significance (1 of 4 stars; one submission).

Submission:

GeneDx
Classification: Uncertain significance. Last evaluated: 2025-03-18. Review status: criteria provided, single submitter. Criteria: GeneDx Variant Classification Process June 2021. Collection method: clinical testing. Allele origin: germline. Affected: yes.
Comment: Not observed at significant frequency in large population cohorts (gnomAD); Missense variant in a gene in which most reported pathogenic variants are truncating/loss of function; Has not been previously published as pathogenic or benign to our knowledge